The following is an entry in ClinVar:

ClinVar aggregate classification (germline): Uncertain significance. Review status: criteria provided, multiple submitters, no conflicts (2 of 4 stars). 2 submissions from 2 submitters: Uncertain significance (2). Last evaluated 2024-01-19.

Conditions:
Hereditary cancer-predisposing syndrome. Also called: Hereditary Cancer Syndrome; Hereditary neoplastic syndrome; Tumor predisposition; Neoplastic Syndromes, Hereditary. Identifiers: Orphanet 140162, MedGen C0027672, MeSH D009386, MONDO:0015356.

Submissions (2):

Ambry Genetics
Classification: Uncertain significance for Hereditary cancer-predisposing syndrome. Last evaluated: 2024-01-19. Review status: criteria provided, single submitter. Criteria: Ambry Variant Classification Scheme 2023. Collection method: clinical testing. Allele origin: germline.
Comment: The p.F534I variant (also known as c.1600T>A), located in coding exon 11 of the MSH3 gene, results from a T to A substitution at nucleotide position 1600. The phenylalanine at codon 534 is replaced by isoleucine, an amino acid with highly similar properties. In one study, this variant was identified in 1/1231 colorectal cancer cases and 0/93 controls (DeRycke MS et al. Mol Genet Genomic Med, 2017 Sep;5:553-569). This amino acid position is not well conserved in available vertebrate species. In addition, the in silico prediction for this alteration is inconclusive. Based on the available evidence, the clinical significance of this alteration remains unclear.

Labcorp Genetics (formerly Invitae), Labcorp
Classification: Uncertain significance. Last evaluated: 2022-10-08. Review status: criteria provided, single submitter. Criteria: Invitae Variant Classification Sherloc (09022015). Collection method: clinical testing. Allele origin: germline.
Comment: In summary, the available evidence is currently insufficient to determine the role of this variant in disease. Therefore, it has been classified as a Variant of Uncertain Significance. Algorithms developed to predict the effect of missense changes on protein structure and function (SIFT, PolyPhen-2, Align-GVGD) all suggest that this variant is likely to be tolerated. ClinVar contains an entry for this variant (Variation ID: 842609). This variant has not been reported in the literature in individuals affected with MSH3-related conditions. This variant is not present in population databases (gnomAD no frequency). This sequence change replaces phenylalanine, which is neutral and non-polar, with isoleucine, which is neutral and non-polar, at codon 534 of the MSH3 protein (p.Phe534Ile).

Literature cited by the submitters: PubMed 28944238 (cited by Ambry Genetics).

NM_002439.5(MSH3):c.1600T>A (p.Phe534Ile)

Gene: MSH3 (mutS homolog 3; plus strand). Cytogenetic location: 5q14.1.
Variant type: single nucleotide variant.
Coding change: c.1600T>A on transcript NM_002439.5 (MANE Select); coding-DNA position 1600, T replaced by A.
Protein change: p.Phe534Ile; replaces phenylalanine 534 with isoleucine.
Molecular consequence: missense variant.
Genome position (GRCh38, 1-based): chr5:80,741,495, T>A. VCF-style: chr5-80741495-T-A. GRCh37 (hg19) VCF-style: chr5-80037314-T-A.
Other names: c.1600T>A (NM_002439.3); short protein forms F534I.
Identifiers: ClinVar variation 842609 (VCV000842609.12), dbSNP rs1743612890, ClinGen allele CA360274484.
Genomic context (GRCh38, chr5:80,741,495, plus strand): 5'-TAGGCTAATTATATTTGATTCTTTTACAGGAATTTTAAACAGCTATCAAGTAAAATGGAA[T>A]TTATGACAATTAATGGAACAACATTAAGGAATCTGGAAATCCTACAGAATCAGGTCAGGC-3'
Protein context (NP_002430.3, residues 524-544): NFKQLSSKME[Phe534Ile]MTINGTTLRN